The following is an entry in ClinVar:

NM_001903.5(CTNNA1):c.982G>C (p.Asp328His)

Gene: CTNNA1 (catenin alpha 1; plus strand). Cytogenetic location: 5q31.2.
Variant type: single nucleotide variant.
Coding change: c.982G>C on transcript NM_001903.5 (MANE Select); coding-DNA position 982, G replaced by C.
Protein change: p.Asp328His; replaces aspartic acid 328 with histidine.
Molecular consequence: missense variant.
Genome position (GRCh38, 1-based): chr5:138,827,638, G>C. VCF-style: chr5-138827638-G-C. GRCh37 (hg19) VCF-style: chr5-138163327-G-C.
Other names: c.982G>C, p.Asp328His (NM_001290307.3, NM_001323982.2, NM_001323983.1 and 3 more transcripts); c.673G>C, p.Asp225His (NM_001290309.3); c.613G>C, p.Asp205His (NM_001290310.3); short protein forms D205H, D225H, D328H.
Identifiers: ClinVar variation 659693 (VCV000659693.12), dbSNP rs1581178503, ClinGen allele CA361131062.

ClinVar aggregate classification (germline): Uncertain significance. Review status: criteria provided, multiple submitters, no conflicts (2 of 4 stars). 2 submissions from 2 submitters: Uncertain significance (2). Last evaluated 2025-11-17.

Conditions:
Hereditary cancer-predisposing syndrome. Also called: Hereditary neoplastic syndrome; Neoplastic Syndromes, Hereditary; Hereditary Cancer Syndrome; Tumor predisposition. Identifiers: Orphanet 140162, MedGen C0027672, MeSH D009386, MONDO:0015356.

Submissions (2):

Labcorp Genetics (formerly Invitae), Labcorp
Classification: Uncertain significance. Last evaluated: 2025-11-17. Review status: criteria provided, single submitter. Criteria: Invitae Variant Classification Sherloc (09022015). Collection method: clinical testing. Allele origin: germline.
Comment: This sequence change replaces aspartic acid, which is acidic and polar, with histidine, which is basic and polar, at codon 328 of the CTNNA1 protein (p.Asp328His). This variant is not present in population databases (gnomAD no frequency). This variant has not been reported in the literature in individuals affected with CTNNA1-related conditions. ClinVar contains an entry for this variant (Variation ID: 659693). Invitae Evidence Modeling of protein sequence and biophysical properties (such as structural, functional, and spatial information, amino acid conservation, physicochemical variation, residue mobility, and thermodynamic stability) indicates that this missense variant is not expected to disrupt CTNNA1 protein function with a negative predictive value of 80%. In summary, the available evidence is currently insufficient to determine the role of this variant in disease. Therefore, it has been classified as a Variant of Uncertain Significance.

Ambry Genetics
Classification: Uncertain significance for Hereditary cancer-predisposing syndrome. Last evaluated: 2024-12-04. Review status: criteria provided, single submitter. Criteria: Ambry Variant Classification Scheme 2023. Collection method: clinical testing. Allele origin: germline.
Comment: The p.D328H variant (also known as c.982G>C), located in coding exon 6 of the CTNNA1 gene, results from a G to C substitution at nucleotide position 982. The aspartic acid at codon 328 is replaced by histidine, an amino acid with similar properties. This amino acid position is highly conserved in available vertebrate species. In addition, the in silico prediction for this alteration is inconclusive. The evidence for this gene-disease relationship is limited; therefore, the clinical significance of this alteration is unclear.